The following is an entry in ClinVar:

ClinVar aggregate classification (germline): Benign. Review status: criteria provided, single submitter (1 of 4 stars). 5 submissions from 1 submitter: Benign (5). Last evaluated 2018-01-13.

Conditions:
Beare-Stevenson cutis gyrata syndrome (BSTVS). Identifiers: Orphanet 1555, MedGen C1852406, MONDO:0007412, OMIM 123790.
Saethre-Chotzen syndrome (SCS). Also called: ACROCEPHALY, SKULL ASYMMETRY, AND MILD SYNDACTYLY; ACS III; CHOTZEN SYNDROME. Identifiers: Orphanet 794, MedGen C0175699, MONDO:0007042, OMIM 101400.
Craniosynostosis syndrome. Also called: Craniosynostosis. Identifiers: Orphanet 1531, MedGen C0010278, MeSH D003398, MONDO:0015469, HP:0001363.
Isolated Coronal Synostosis. Identifiers: MedGen CN043619.
Crouzon syndrome. Also called: CRANIOFACIAL DYSOSTOSIS, TYPE I; Craniofacial dysostosis; Craniofacial dysostosis type 1; Crouzon craniofacial dysostosis; Crouzon disease. Identifiers: Orphanet 207, MedGen C0010273, MeSH D003394, MONDO:0007405, OMIM 123500, HP:0004439.

Allele frequency attached by ClinVar (database versions not stated): gnomAD exomes 0.00338; 1000 Genomes Project 0.02536; gnomAD 0.02641 and 0.02864; 1000 Genomes Project 30x 0.02733; TOPMed 0.03013.
gnomAD v4.1: 4,904 of 398,428 alleles (1.2%); highest among the groups gnomAD compares: African/African-American, 9%; 212 homozygotes.

Submissions (5):

Illumina Laboratory Services, Illumina
Classification: Benign for Saethre-Chotzen syndrome. Last evaluated: 2018-01-13. Review status: criteria provided, single submitter. Criteria: ICSL Variant Classification Criteria 13 December 2019. Collection method: clinical testing. Allele origin: germline.
Comment: This variant was observed in the ICSL laboratory as part of a predisposition screen in an ostensibly healthy population. It had not been previously curated by ICSL or reported in the Human Gene Mutation Database (HGMD: prior to June 1st, 2018), and was therefore a candidate for classification through an automated scoring system. Utilizing variant allele frequency, disease prevalence and penetrance estimates, and inheritance mode, an automated score was calculated to assess if this variant is too frequent to cause the disease. Based on the score and internal cut-off values, a variant classified as benign is not then subjected to further curation. The score for this variant resulted in a classification of benign for this disease.

Illumina Laboratory Services, Illumina
Classification: Benign for Isolated coronal synostosis. Last evaluated: 2018-01-13. Review status: criteria provided, single submitter. Criteria: ICSL Variant Classification Criteria 13 December 2019. Collection method: clinical testing. Allele origin: germline.
Comment: the same text as in the submission from Illumina Laboratory Services, Illumina above.

Illumina Laboratory Services, Illumina
Classification: Benign for Craniosynostosis. Last evaluated: 2018-01-13. Review status: criteria provided, single submitter. Criteria: ICSL Variant Classification Criteria 13 December 2019. Collection method: clinical testing. Allele origin: germline.
Comment: the same text as in the submission from Illumina Laboratory Services, Illumina above.

Illumina Laboratory Services, Illumina
Classification: Benign for Crouzon syndrome. Last evaluated: 2018-01-13. Review status: criteria provided, single submitter. Criteria: ICSL Variant Classification Criteria 13 December 2019. Collection method: clinical testing. Allele origin: germline.
Comment: the same text as in the submission from Illumina Laboratory Services, Illumina above.

Illumina Laboratory Services, Illumina
Classification: Benign for Beare-Stevenson cutis gyrata syndrome. Last evaluated: 2018-01-13. Review status: criteria provided, single submitter. Criteria: ICSL Variant Classification Criteria 13 December 2019. Collection method: clinical testing. Allele origin: germline.
Comment: the same text as in the submission from Illumina Laboratory Services, Illumina above.

NM_000141.5(FGFR2):c.-318G>C

Gene: FGFR2 (fibroblast growth factor receptor 2; minus strand). Cytogenetic location: 10q26.13.
Variant type: single nucleotide variant.
Coding change: c.-318G>C on transcript NM_000141.5 (MANE Select); 318 bases upstream of the start codon, G replaced by C.
Molecular consequence: 5 prime UTR variant. On other transcripts: non-coding transcript variant (1).
Genome position (GRCh38, 1-based): chr10:121,598,129, C>G on the plus strand (G>C on the coding strand, the complement: FGFR2 is on the minus strand). VCF-style: chr10-121598129-C-G. GRCh37 (hg19) VCF-style: chr10-123357643-C-G.
Other names: c.-318G>C (NM_001144917.2, NM_001144918.2, NM_001144919.2 and 3 more transcripts).
Identifiers: ClinVar variation 299021 (VCV000299021.5), dbSNP rs41301547, ClinGen allele CA10628120.